The following is an entry in ClinVar:

NM_006767.4(LZTR1):c.2114_2124del (p.Gln705fs)

Gene: LZTR1 (leucine zipper like post translational regulator 1; plus strand). Cytogenetic location: 22q11.21.
Variant type: Deletion.
Coding change: c.2114_2124del on transcript NM_006767.4 (MANE Select); coding-DNA positions 2114 to 2124, 11 bases deleted (AGGTGAACATC).
Protein change: p.Gln705fs; shifts the reading frame from glutamine 705.
Molecular consequence: frameshift variant.
Genome position (GRCh38, 1-based): chr22:20,996,007-20,996,017, AGGTGAACATC deleted; deleting any 11 consecutive bases within chr22:20,996,006-20,996,017 gives the same sequence; the c. name uses the placement nearest the transcript's 3' end. VCF-style (leftmost placement, unchanged base first): chr22-20996005-GCAGGTGAACAT-G. GRCh37 (hg19) VCF-style: chr22-21350294-GCAGGTGAACAT-G.
Other names: short protein forms Q705fs.
Identifiers: ClinVar variation 4749090 (VCV004749090.1).

ClinVar aggregate classification (germline): Pathogenic (1 of 4 stars; one submission).

Submission:

Labcorp Genetics (formerly Invitae), Labcorp
Classification: Pathogenic. Last evaluated: 2025-05-04. Review status: criteria provided, single submitter. Criteria: Invitae Variant Classification Sherloc (09022015). Collection method: clinical testing. Allele origin: germline.
Comment: This sequence change creates a premature translational stop signal (p.Gln705Leufs*73) in the LZTR1 gene. It is expected to result in an absent or disrupted protein product. Loss-of-function variants in LZTR1 are known to be pathogenic (PMID: 24362817, 25335493, 25480913, 25795793, 29469822, 30368668, 30442762, 30442766, 30481304, 30859559). This variant is not present in population databases (gnomAD no frequency). This variant has not been reported in the literature in individuals affected with LZTR1-related conditions. For these reasons, this variant has been classified as Pathogenic.

Literature cited by the submitters: PubMed 24362817; PubMed 25335493; PubMed 25480913; PubMed 25795793; PubMed 29469822; PubMed 30368668; PubMed 30442762; PubMed 30442766; PubMed 30481304; PubMed 30859559.